The following is an entry in ClinVar:

ClinVar aggregate classification (germline): Benign/Likely benign. Review status: criteria provided, multiple submitters, no conflicts (2 of 4 stars). 3 submissions from 3 submitters: Benign (1); Likely benign (2). Last evaluated 2026-01-28.

Conditions:
Spastic paraplegia. Identifiers: MedGen C0037772, HP:0001258.

Allele frequency attached by ClinVar (database versions not stated): gnomAD 0.00003 and 0.00004; gnomAD exomes 0.00004 and 0.00013; ExAC 0.00005; TOPMed 0.00006; ESP Exome Variant Server 0.00009.
gnomAD v4.1: 141 of 1,207,651 alleles (0.012%); highest among the groups gnomAD compares: Non-Finnish European, 0.015%; no homozygotes.

Submissions (3):

Labcorp Genetics (formerly Invitae), Labcorp
Classification: Benign for Spastic paraplegia. Last evaluated: 2026-01-28. Review status: criteria provided, single submitter. Criteria: Invitae Variant Classification Sherloc (09022015). Collection method: clinical testing. Allele origin: germline.

Blueprint Genetics
Classification: Likely benign. Last evaluated: 2022-10-17. Review status: criteria provided, single submitter. Criteria: ACMG Guidelines, 2015. Collection method: clinical testing. Allele origin: germline.

Institute for Genomic Medicine (IGM) Clinical Laboratory, Nationwide Children's Hospital
Classification: Likely benign. Last evaluated: 2017-12-07. Review status: criteria provided, single submitter. Criteria: ACMG Guidelines, 2015. Collection method: clinical testing. Allele origin: germline.
Comment: BS2, BP5; This alteration was seen in a healthy adult where full penetrance of the disorder is expected at an early age, and was found in a case with an alternate molecular basis for disease.

NM_004187.5(KDM5C):c.3441C>T (p.Ile1147=)

Gene: KDM5C (lysine demethylase 5C; minus strand). Cytogenetic location: Xp11.22.
Variant type: single nucleotide variant.
Coding change: c.3441C>T on transcript NM_004187.5 (MANE Select); coding-DNA position 3441, C replaced by T.
Protein change: p.Ile1147=; no amino-acid change (isoleucine 1147 retained).
Molecular consequence: synonymous variant. On other transcripts: non-coding transcript variant (3).
Genome position (GRCh38, 1-based): chrX:53,194,736, G>A on the plus strand (C>T on the coding strand, the complement: KDM5C is on the minus strand). VCF-style: chrX-53194736-G-A. GRCh37 (hg19) VCF-style: chrX-53223918-G-A.
Other names: c.3240C>T, p.Ile1080= (NM_001146702.2); c.3438C>T, p.Ile1146= (NM_001282622.3, NM_001353979.2, NM_001353982.2); c.3441C>T, p.Ile1147= (NM_001353978.3, NM_001353981.2, NM_001353984.2).
Identifiers: ClinVar variation 599443 (VCV000599443.15), dbSNP rs45442400, ClinGen allele CA10419220.